The following is an entry in ClinVar:

ClinVar aggregate classification (germline): Uncertain significance (1 of 4 stars; one submission).

Allele frequency attached by ClinVar (database versions not stated): gnomAD exomes below 0.00001.
gnomAD v4.1: 2 of 1,602,772 alleles (0.00012%); highest among the groups gnomAD compares: Non-Finnish European, 0.00017%; no homozygotes.

Submission:

Labcorp Genetics (formerly Invitae), Labcorp
Classification: Uncertain significance. Last evaluated: 2020-09-20. Review status: criteria provided, single submitter. Criteria: Invitae Variant Classification Sherloc (09022015). Collection method: clinical testing. Allele origin: germline.
Comment: In summary, the available evidence is currently insufficient to determine the role of this variant in disease. Therefore, it has been classified as a Variant of Uncertain Significance. Algorithms developed to predict the effect of missense changes on protein structure and function are either unavailable or do not agree on the potential impact of this missense change (SIFT: "Deleterious"; PolyPhen-2: "Probably Damaging"; Align-GVGD: "Class C0"). This variant has not been reported in the literature in individuals with NEDD4L-related conditions. This variant is not present in population databases (ExAC no frequency). This sequence change replaces threonine with alanine at codon 503 of the NEDD4L protein (p.Thr503Ala). The threonine residue is highly conserved and there is a small physicochemical difference between threonine and alanine.

NM_001144967.3(NEDD4L):c.1567A>G (p.Thr523Ala)

Gene: NEDD4L (NEDD4 like E3 ubiquitin protein ligase; plus strand). Cytogenetic location: 18q21.31.
Variant type: single nucleotide variant.
Coding change: c.1567A>G on transcript NM_001144967.3 (MANE Select); coding-DNA position 1567, A replaced by G.
Protein change: p.Thr523Ala; replaces threonine 523 with alanine.
Molecular consequence: missense variant.
Genome position (GRCh38, 1-based): chr18:58,343,095, A>G. VCF-style: chr18-58343095-A-G. GRCh37 (hg19) VCF-style: chr18-56010327-A-G.
Other names: c.1204A>G, p.Thr402Ala (NM_001144964.1, NM_001144965.2, NM_001144966.3); c.1543A>G, p.Thr515Ala (NM_001144968.2); c.1483A>G, p.Thr495Ala (NM_001144969.2); c.1144A>G, p.Thr382Ala (NM_001144970.3, NM_001144971.2); c.1375A>G, p.Thr459Ala (NM_001243960.2); c.1507A>G, p.Thr503Ala (NM_015277.6); short protein forms T382A, T402A, T459A, T495A, T503A, T515A, T523A.
Identifiers: ClinVar variation 1026605 (VCV001026605.8), dbSNP rs1373145711, ClinGen allele CA402537963.